The following is an entry in ClinVar:

NM_005245.4(FAT1):c.2832C>T (p.Thr944=)

Gene: FAT1 (FAT atypical cadherin 1; minus strand). Cytogenetic location: 4q35.2.
Variant type: single nucleotide variant.
Coding change: c.2832C>T on transcript NM_005245.4 (MANE Select); coding-DNA position 2832, C replaced by T.
Protein change: p.Thr944=; no amino-acid change (threonine 944 retained).
Molecular consequence: synonymous variant.
Genome position (GRCh38, 1-based): chr4:186,706,996, G>A on the plus strand (C>T on the coding strand, the complement: FAT1 is on the minus strand). VCF-style: chr4-186706996-G-A. GRCh37 (hg19) VCF-style: chr4-187628150-G-A.
Other names: c.2832C>T (NM_005245.3).
Identifiers: ClinVar variation 1012725 (VCV001012725.40), dbSNP rs551051361, ClinGen allele CA3167165.

ClinVar aggregate classification (germline): Likely benign. Review status: criteria provided, multiple submitters, no conflicts (2 of 4 stars). 3 submissions from 3 submitters: Likely benign (2). 1 of the submissions does not count toward it. Last evaluated 2025-04-14.

Conditions:
FAT1-related disorder. Also called: FAT1-related condition.

Allele frequency attached by ClinVar (database versions not stated): gnomAD 0.00009 and 0.00010; TOPMed 0.00012; gnomAD exomes 0.00013; ExAC 0.00020.
gnomAD v4.1: 254 of 1,613,812 alleles (0.016%); highest among the groups gnomAD compares: Non-Finnish European, 0.02%; no homozygotes.

Submissions (3):

Labcorp Genetics (formerly Invitae), Labcorp
Classification: Likely benign. Last evaluated: 2025-04-14. Review status: criteria provided, single submitter. Criteria: Invitae Variant Classification Sherloc (09022015). Collection method: clinical testing. Allele origin: germline.

CeGaT Center for Human Genetics Tuebingen
Classification: Likely benign. Last evaluated: 2021-01-01. Review status: criteria provided, single submitter. Criteria: CeGaT Center For Human Genetics Tuebingen Variant Classification Criteria Version 2. Collection method: clinical testing. Allele origin: germline. Affected: yes. Observed: 1 variant allele.

PreventionGenetics, part of Exact Sciences
Classification: Likely benign for FAT1-related condition. Last evaluated: 2019-04-09. Review status: no assertion criteria provided. Collection method: clinical testing. Allele origin: germline. Not counted in ClinVar's aggregate classification.
Comment: This variant is classified as likely benign based on ACMG/AMP sequence variant interpretation guidelines (Richards et al. 2015 PMID: 25741868, with internal and published modifications).